The following is an entry in ClinVar:

NM_006922.4(SCN3A):c.3393+6A>C

Gene: SCN3A (sodium voltage-gated channel alpha subunit 3; minus strand). Cytogenetic location: 2q24.3.
Variant type: single nucleotide variant.
Coding change: c.3393+6A>C on transcript NM_006922.4 (MANE Select); 6 bases into the intron after coding-DNA position 3393, A replaced by C.
Molecular consequence: intron variant.
Genome position (GRCh38, 1-based): chr2:165,127,625, T>G on the plus strand (A>C on the coding strand, the complement: SCN3A is on the minus strand). VCF-style: chr2-165127625-T-G. GRCh37 (hg19) VCF-style: chr2-165984135-T-G.
Other names: c.3246+6A>C (NM_001081677.2, NM_001081676.2).
Identifiers: ClinVar variation 3722523 (VCV003722523.2).

ClinVar aggregate classification (germline): Uncertain significance (1 of 4 stars; one submission).

Submission:

Labcorp Genetics (formerly Invitae), Labcorp
Classification: Uncertain significance. Last evaluated: 2024-11-03. Review status: criteria provided, single submitter. Criteria: Invitae Variant Classification Sherloc (09022015). Collection method: clinical testing. Allele origin: germline.
Comment: This sequence change falls in intron 18 of the SCN3A gene. It does not directly change the encoded amino acid sequence of the SCN3A protein. It affects a nucleotide within the consensus splice site. This variant is not present in population databases (gnomAD no frequency). This variant has not been reported in the literature in individuals affected with SCN3A-related conditions. Variants that disrupt the consensus splice site are a relatively common cause of aberrant splicing (PMID: 17576681, 9536098). Algorithms developed to predict the effect of sequence changes on RNA splicing suggest that this variant is not likely to affect RNA splicing. In summary, the available evidence is currently insufficient to determine the role of this variant in disease. Therefore, it has been classified as a Variant of Uncertain Significance.

Literature cited by the submitters: PubMed 17576681; PubMed 9536098.